The following is an entry in ClinVar:

NM_031433.4(MFRP):c.583G>A (p.Ala195Thr)

Genes: C1QTNF5 (C1q and TNF related 5; minus strand), MFRP (membrane frizzled-related protein; minus strand). Cytogenetic location: 11q23.3.
Variant type: single nucleotide variant.
Coding change: c.583G>A on transcript NM_031433.4 (MANE Select); coding-DNA position 583, G replaced by A.
Protein change: p.Ala195Thr; replaces alanine 195 with threonine.
Molecular consequence: missense variant. On other transcripts: 5 prime UTR variant (1).
Genome position (GRCh38, 1-based): chr11:119,345,478, C>T on the plus strand (G>A on the coding strand, the complement: MFRP is on the minus strand). VCF-style: chr11-119345478-C-T. GRCh37 (hg19) VCF-style: chr11-119216188-C-T.
Other names: c.-2054G>A (NM_015645.5); short protein forms A195T.
Identifiers: ClinVar variation 302968 (VCV000302968.53), dbSNP rs886047833, ClinGen allele CA10638022.

ClinVar aggregate classification (germline): Uncertain significance. Review status: criteria provided, multiple submitters, no conflicts (2 of 4 stars). 4 submissions from 3 submitters: Uncertain significance (4). Last evaluated 2019-12-27.

Conditions:
Late-onset retinal degeneration (LORD). Also called: RETINAL DEGENERATION, LATE-ONSET, AUTOSOMAL DOMINANT. Identifiers: Orphanet 67042, MedGen C1854065, MONDO:0011579, OMIM 605670. Disease mechanism: loss of function.
Isolated microphthalmia 5. Also called: Posterior Microphthalmia with Retinitis Pigmentosa, Foveoschisis, and Optic Disc Drusen. Identifiers: Orphanet 251279, MedGen C1970236, MONDO:0012605, OMIM 611040.

Allele frequency attached by ClinVar (database versions not stated): gnomAD below 0.00001 and 0.00001; gnomAD exomes below 0.00001.

Submissions (4):

Labcorp Genetics (formerly Invitae), Labcorp
Classification: Uncertain significance for Isolated microphthalmia 5. Last evaluated: 2019-12-27. Review status: criteria provided, single submitter. Criteria: Invitae Variant Classification Sherloc (09022015). Collection method: clinical testing. Allele origin: germline.
Comment: In summary, the available evidence is currently insufficient to determine the role of this variant in disease. Therefore, it has been classified as a Variant of Uncertain Significance. Algorithms developed to predict the effect of missense changes on protein structure and function output the following: SIFT: "Tolerated"; PolyPhen-2: "Benign"; Align-GVGD: "Class C0". The threonine amino acid residue is found in multiple mammalian species, suggesting that this missense change does not adversely affect protein function. These predictions have not been confirmed by published functional studies and their clinical significance is uncertain. This variant has not been reported in the literature in individuals with MFRP-related conditions. ClinVar contains an entry for this variant (Variation ID: 302968). This variant is not present in population databases (ExAC no frequency). This sequence change replaces alanine with threonine at codon 195 of the MFRP protein (p.Ala195Thr). The alanine residue is moderately conserved and there is a small physicochemical difference between alanine and threonine.

Blueprint Genetics
Classification: Uncertain significance. Last evaluated: 2019-06-18. Review status: criteria provided, single submitter. Criteria: ACMG Guidelines, 2015. Collection method: clinical testing. Allele origin: germline.

Illumina Laboratory Services, Illumina
Classification: Uncertain significance for Late-onset retinal degeneration. Last evaluated: 2018-01-13. Review status: criteria provided, single submitter. Criteria: ICSL Variant Classification Criteria 13 December 2019. Collection method: clinical testing. Allele origin: germline.

Illumina Laboratory Services, Illumina
Classification: Uncertain significance for Isolated microphthalmia 5. Last evaluated: 2018-01-13. Review status: criteria provided, single submitter. Criteria: ICSL Variant Classification Criteria 13 December 2019. Collection method: clinical testing. Allele origin: germline.